The following is an entry in ClinVar:

NM_152743.4(BRAT1):c.1710del (p.Gln571fs)

Gene: BRAT1 (BRCA1 associated ATM activator 1; minus strand). Cytogenetic location: 7p22.3.
Variant type: Deletion.
Coding change: c.1710del on transcript NM_152743.4 (MANE Select); coding-DNA position 1710, one base deleted (G; older notation c.1710delG).
Protein change: p.Gln571fs; shifts the reading frame from glutamine 571.
Molecular consequence: frameshift variant. On other transcripts: non-coding transcript variant (1).
Genome position (GRCh38, 1-based): chr7:2,539,239, C deleted on the plus strand (G on the coding strand, the reverse complement: BRAT1 is on the minus strand); the first of 4 consecutive C bases (chr7:2,539,239-2,539,242); deleting any one gives the same sequence. VCF-style (leftmost placement, unchanged base first): chr7-2539238-GC-G. GRCh37 (hg19) VCF-style: chr7-2578872-GC-G.
Other names: c.1710del, p.Gln571fs (NM_001350626.2); c.1185del, p.Gln396fs (NM_001350627.2); c.1710del (NM_152743.3); short protein forms Q396fs, Q571fs.
Identifiers: ClinVar variation 817329 (VCV000817329.17), dbSNP rs756489141, ClinGen allele CA4127619.

ClinVar aggregate classification (germline): Pathogenic/Likely pathogenic. Review status: criteria provided, multiple submitters, no conflicts (2 of 4 stars). 3 submissions from 3 submitters: Pathogenic (1); Likely pathogenic (2). Last evaluated 2023-10-16.

Conditions:
Neonatal-onset encephalopathy with rigidity and seizures. Also called: Lethal neonatal spasticity-epileptic encephalopathy syndrome. Identifiers: Orphanet 435845, MedGen C3281029, MONDO:0013784, OMIM 614498.

Submissions (3):

Labcorp Genetics (formerly Invitae), Labcorp
Classification: Likely pathogenic for Neonatal-onset encephalopathy with rigidity and seizures. Last evaluated: 2023-10-16. Review status: criteria provided, single submitter. Criteria: Invitae Variant Classification Sherloc (09022015). Collection method: clinical testing. Allele origin: germline.
Comment: This sequence change creates a premature translational stop signal (p.Gln571Serfs*32) in the BRAT1 gene. While this is not anticipated to result in nonsense mediated decay, it is expected to disrupt the last 251 amino acid(s) of the BRAT1 protein. This variant is present in population databases (rs756489141, gnomAD 0.01%). This variant has not been reported in the literature in individuals affected with BRAT1-related conditions. ClinVar contains an entry for this variant (Variation ID: 817329). This variant disrupts the C-terminus of the BRAT1 protein. Other variant(s) that disrupt this region (p.Trp619*, p.Ser747Thrfs*36, p.Phe709Thrfs*17) have been observed in individuals with BRAT1-related conditions (PMID: 27480663, 28752061). This suggests that this may be a clinically significant region of the protein. In summary, the currently available evidence indicates that the variant is pathogenic, but additional data are needed to prove that conclusively. Therefore, this variant has been classified as Likely Pathogenic.

GeneDx
Classification: Likely pathogenic. Last evaluated: 2022-06-28. Review status: criteria provided, single submitter. Criteria: GeneDx Variant Classification Process June 2021. Collection method: clinical testing. Allele origin: germline. Affected: yes.
Comment: Frameshift variant predicted to result in protein truncation, as the last 251 amino acids are replaced with 31 different amino acids, and other loss-of-function variants have been reported downstream in HGMD.; Not observed at significant frequency in large population cohorts (gnomAD); Has not been previously published as pathogenic or benign to our knowledge

Revvity Omics, Revvity
Classification: Pathogenic. Last evaluated: 2019-07-15. Review status: criteria provided, single submitter. Criteria: ACMG Guidelines, 2015. Collection method: clinical testing. Allele origin: germline.

Literature cited by the submitters: PubMed 27480663 (cited by Labcorp Genetics (formerly Invitae), Labcorp); PubMed 28752061 (cited by Labcorp Genetics (formerly Invitae), Labcorp).